The following is an entry in ClinVar:

ClinVar aggregate classification (germline): Conflicting classifications of pathogenicity. Review status: criteria provided, conflicting classifications (1 of 4 stars). 5 submissions from 5 submitters: Uncertain significance (4); Likely benign (1). Last evaluated 2023-11-20.

Conditions:
Hypertrophic cardiomyopathy 1 (CMH1). Also called: Familial hypertrophic cardiomyopathy 1; MYH7-Related Familial Hypertrophic Cardiomyopathy. Identifiers: MedGen C3495498, MONDO:0008647, OMIM 192600.
Dilated cardiomyopathy 1EE (CMD1EE). Identifiers: Orphanet 154, MedGen C2750466, MONDO:0013198, OMIM 613252.
Hypertrophic cardiomyopathy 14. Identifiers: MedGen C2750467, MONDO:0013197, OMIM 613251.
Atrial septal defect 3 (ASD3). Identifiers: Orphanet 1478, MedGen C3279790, MONDO:0013567, OMIM 614089.
Sick sinus syndrome 3, susceptibility to (SSS3). Identifiers: Orphanet 166282, MedGen C3279791, MONDO:0013568, OMIM 614090.
Cardiovascular phenotype. Identifiers: MedGen CN230736.
Hypertrophic cardiomyopathy. Also called: HYPERTROPHIC MYOCARDIOPATHY. Identifiers: Orphanet 217569, MedGen C0007194, MeSH D002312, MONDO:0005045, HP:0001639.

Allele frequency attached by ClinVar (database versions not stated): gnomAD 0.00001; TOPMed 0.00002; ESP Exome Variant Server 0.00008.
gnomAD v4.1: 35 of 1,614,110 alleles (0.0022%); highest among the groups gnomAD compares: Non-Finnish European, 0.0013%; no homozygotes.

Submissions (5):

Ambry Genetics
Classification: Uncertain significance for Cardiovascular phenotype. Last evaluated: 2023-11-20. Review status: criteria provided, single submitter. Criteria: Ambry Variant Classification Scheme 2023. Collection method: clinical testing. Allele origin: germline.
Comment: The p.D1074N variant (also known as c.3220G>A), located in coding exon 22 of the MYH6 gene, results from a G to A substitution at nucleotide position 3220. The aspartic acid at codon 1074 is replaced by asparagine, an amino acid with highly similar properties. This variant was detected in one family with a hypertrophic cardiomyopathy (HCM) phenotype; however, clinical details were limited (Robyns T et al. Eur. J. Hum. Genet., 2017 12;25:1313-1323). This amino acid position is highly conserved in available vertebrate species. In addition, this alteration is predicted to be tolerated by in silico analysis. Since supporting evidence is limited at this time, the clinical significance of this alteration remains unclear.

Labcorp Genetics (formerly Invitae), Labcorp
Classification: Likely benign for Hypertrophic cardiomyopathy 14. Last evaluated: 2022-08-23. Review status: criteria provided, single submitter. Criteria: Invitae Variant Classification Sherloc (09022015). Collection method: clinical testing. Allele origin: germline.

Fulgent Genetics
Classification: Uncertain significance for Hypertrophic cardiomyopathy 1; Hypertrophic cardiomyopathy 14; Dilated cardiomyopathy 1EE; Atrial septal defect 3; Sick sinus syndrome 3, susceptibility to. Last evaluated: 2021-08-18. Review status: criteria provided, single submitter. Criteria: ACMG Guidelines, 2015. Collection method: clinical testing. Allele origin: unknown.

Center for Human Genetics, University of Leuven
Classification: Uncertain significance for Hypertrophic cardiomyopathy. Last evaluated: 2017-02-09. Review status: criteria provided, single submitter. Criteria: ACMG Guidelines, 2015. Collection method: clinical testing. Allele origin: germline. Inheritance: Autosomal dominant inheritance. Affected: yes. Observed: 1 variant allele.
Comment: ACMG score unknown significance

Laboratory for Molecular Medicine, Mass General Brigham Personalized Medicine
Classification: Uncertain significance. Last evaluated: 2014-02-13. Review status: criteria provided, single submitter. Criteria: LMM Criteria. Collection method: clinical testing. Allele origin: germline. Observed: 1 variant allele.
Comment: The Asp1074Asn variant has not been previously reported in individuals with card iomyopathy, but has been identified in 1/8600 European American chromosomes by t he NHLBI Exome Sequencing Project. Computati onal prediction tools and conservation analysis suggest an impact to the normal function of the protein, but this information is not predictive enough to conclu de pathogenicity conclusively. Additional information is needed to fully assess the clinical significance of the Asp1074Asn variant.

Literature cited by the submitters: PubMed 29255176 (cited by Ambry Genetics).

NM_002471.4(MYH6):c.3220G>A (p.Asp1074Asn)

Gene: MYH6 (myosin heavy chain 6; minus strand). Cytogenetic location: 14q11.2.
Variant type: single nucleotide variant.
Coding change: c.3220G>A on transcript NM_002471.4 (MANE Select); coding-DNA position 3220, G replaced by A.
Protein change: p.Asp1074Asn; replaces aspartic acid 1074 with asparagine.
Molecular consequence: missense variant.
Genome position (GRCh38, 1-based): chr14:23,392,943, C>T on the plus strand (G>A on the coding strand, the complement: MYH6 is on the minus strand). VCF-style: chr14-23392943-C-T. GRCh37 (hg19) VCF-style: chr14-23862152-C-T.
Other names: short protein forms D1074N.
Identifiers: ClinVar variation 179023 (VCV000179023.17), dbSNP rs375169402, ClinGen allele CA183532.
Genomic context (GRCh38, chr14:23,392,943, plus strand): 5'-AGCCCCTCCTGGCCACCACAGTCTCCTACTTCTTAAGCTTTTCTTCCAGCTGCAGTTTAT[C>T]ATTTTCCAGGTCCATGATGCTCTCCTGGGTCAGCTTCAGGTCGCCCTCCAGTTTCCGCTT-3'
Protein context (NP_002462.2, residues 1064-1084): TQESIMDLEN[Asp1074Asn]KLQLEEKLKK